The following is an entry in ClinVar:

NM_017617.5(NOTCH1):c.4928C>G (p.Ala1643Gly)

Gene: NOTCH1 (notch receptor 1; minus strand). Cytogenetic location: 9q34.3.
Variant type: single nucleotide variant.
Coding change: c.4928C>G on transcript NM_017617.5 (MANE Select); coding-DNA position 4928, C replaced by G.
Protein change: p.Ala1643Gly; replaces alanine 1643 with glycine.
Molecular consequence: missense variant.
Genome position (GRCh38, 1-based): chr9:136,504,763, G>C on the plus strand (C>G on the coding strand, the complement: NOTCH1 is on the minus strand). VCF-style: chr9-136504763-G-C. GRCh37 (hg19) VCF-style: chr9-139399215-G-C.
Other names: short protein forms A1643G.
Identifiers: ClinVar variation 4057165 (VCV004057165.3).

ClinVar aggregate classification (germline): Conflicting classifications of pathogenicity. Review status: criteria provided, conflicting classifications (1 of 4 stars). 3 submissions from 3 submitters: Uncertain significance (2); Benign (1). Last evaluated 2026-07-28.

Conditions:
Familial thoracic aortic aneurysm and aortic dissection (TAAD). Also called: Thoracic aortic aneurysms and dissections. Identifiers: Orphanet 91387, MedGen C4707243, MONDO:0019625.
Adams-Oliver syndrome 5 (AOS5). Identifiers: Orphanet 974, MedGen C4014970, MONDO:0014459, OMIM 616028.

Submissions (3):

Ambry Genetics
Classification: Uncertain significance for Familial thoracic aortic aneurysm and aortic dissection. Last evaluated: 2026-07-28. Review status: criteria provided, single submitter. Criteria: Ambry Variant Classification Scheme 2023. Collection method: clinical testing. Allele origin: germline.
Comment: The c.4928C>G (p.A1643G) alteration is located in exon 26 (coding exon 26) of the NOTCH1 gene. This alteration results from a C to G substitution at nucleotide position 4928, causing the alanine (A) at amino acid position 1643 to be replaced by a glycine (G). Based on data from gnomAD, the G allele has an overall frequency of 0.003% (1/31362) total alleles studied. The highest observed frequency was 0.012% (1/8688) of African alleles. Based on insufficient or conflicting evidence, the clinical significance of this alteration remains unclear.

Labcorp Genetics (formerly Invitae), Labcorp
Classification: Benign for Adams-Oliver syndrome 5. Last evaluated: 2025-02-25. Review status: criteria provided, single submitter. Criteria: Invitae Variant Classification Sherloc (09022015). Collection method: clinical testing. Allele origin: germline.

GeneDx
Classification: Uncertain significance. Last evaluated: 2025-01-13. Review status: criteria provided, single submitter. Criteria: GeneDx Variant Classification Process June 2021. Collection method: clinical testing. Allele origin: germline. Affected: yes.
Comment: Has not been previously published as pathogenic or benign to our knowledge; Not observed at significant frequency in large population cohorts (gnomAD); In silico analysis indicates that this missense variant does not alter protein structure/function